The following is an entry in ClinVar:

ClinVar aggregate classification (germline): Pathogenic (1 of 4 stars; one submission).

Submission:

GeneDx
Classification: Pathogenic. Last evaluated: 2018-09-19. Review status: criteria provided, single submitter. Criteria: GeneDx Variant Classification (06012015). Collection method: clinical testing. Allele origin: germline. Affected: yes.
Comment: The c.926delG variant has not been published as a pathogenic variant, nor has it been reported as a benign variant to our knowledge. The variant is not observed in large population cohorts (Lek et al., 2016). It causes a frameshift starting with codon Glycine 309, changes this amino acid to an Alanine residue and creates a premature Stop codon at position 8 of the new reading frame, denoted p.Gly309AlafsX8. This variant is predicted to cause loss of normal protein function either through protein truncation or nonsense-mediated mRNA decay. We consider this variant to be pathogenic.

NM_001042492.3(NF1):c.926del (p.Gly309fs)

Gene: NF1 (neurofibromin 1; plus strand). Cytogenetic location: 17q11.2.
Variant type: Deletion.
Coding change: c.926del on transcript NM_001042492.3 (MANE Select); coding-DNA position 926, one base deleted (G; older notation c.926delG).
Protein change: p.Gly309fs; shifts the reading frame from glycine 309.
Molecular consequence: frameshift variant.
Genome position (GRCh38, 1-based): chr17:31,200,459, G deleted; the last of 2 consecutive G bases (chr17:31,200,458-31,200,459); deleting either gives the same sequence. VCF-style (leftmost placement, unchanged base first): chr17-31200457-TG-T. GRCh37 (hg19) VCF-style: chr17-29527475-TG-T.
Other names: c.926delG, p.Gly309Alafs (NM_000267.4); c.926del, p.Gly309fs (NM_001128147.3); c.926delG (NM_000267.3); short protein forms G309fs.
Identifiers: ClinVar variation 817817 (VCV000817817.1), dbSNP rs1597680816, ClinGen allele CA915949662.